The following is an entry in ClinVar:

NM_021008.4(DEAF1):c.862A>G (p.Met288Val)

Gene: DEAF1 (DEAF1 transcription factor; minus strand). Cytogenetic location: 11p15.5.
Variant type: single nucleotide variant.
Coding change: c.862A>G on transcript NM_021008.4 (MANE Select); coding-DNA position 862, A replaced by G.
Protein change: p.Met288Val; replaces methionine 288 with valine.
Molecular consequence: missense variant.
Genome position (GRCh38, 1-based): chr11:684,906, T>C on the plus strand (A>G on the coding strand, the complement: DEAF1 is on the minus strand). VCF-style: chr11-684906-T-C. GRCh37 (hg19) VCF-style: chr11-684906-T-C.
Other names: c.722A>G, p.His241Arg (NM_001293634.2); c.136A>G, p.Met46Val (NM_001367390.1); short protein forms H241R, M288V, M46V.
Identifiers: ClinVar variation 2835515 (VCV002835515.3), dbSNP rs2494437877, ClinGen allele CA378929816.

ClinVar aggregate classification (germline): Uncertain significance. Review status: criteria provided, multiple submitters, no conflicts (2 of 4 stars). 2 submissions from 2 submitters: Uncertain significance (2). Last evaluated 2024-12-04.

Allele frequency attached by ClinVar (database versions not stated): gnomAD exomes below 0.00001.
gnomAD v4.1: 2 of 1,551,444 alleles (0.00013%); highest among the groups gnomAD compares: East Asian, 0.0024%; no homozygotes.

Submissions (2):

GeneDx
Classification: Uncertain significance. Last evaluated: 2024-12-04. Review status: criteria provided, single submitter. Criteria: GeneDx Variant Classification Process June 2021. Collection method: clinical testing. Allele origin: germline. Affected: yes.
Comment: Not observed at significant frequency in large population cohorts (gnomAD); In silico analysis indicates that this missense variant does not alter protein structure/function; Has not been previously published as pathogenic or benign to our knowledge

Labcorp Genetics (formerly Invitae), Labcorp
Classification: Uncertain significance. Last evaluated: 2023-11-03. Review status: criteria provided, single submitter. Criteria: Invitae Variant Classification Sherloc (09022015). Collection method: clinical testing. Allele origin: germline.
Comment: This sequence change replaces methionine, which is neutral and non-polar, with valine, which is neutral and non-polar, at codon 288 of the DEAF1 protein (p.Met288Val). This variant is not present in population databases (gnomAD no frequency). This variant has not been reported in the literature in individuals affected with DEAF1-related conditions. Advanced modeling of protein sequence and biophysical properties (such as structural, functional, and spatial information, amino acid conservation, physicochemical variation, residue mobility, and thermodynamic stability) has been performed at Invitae for this missense variant, however the output from this modeling did not meet the statistical confidence thresholds required to predict the impact of this variant on DEAF1 protein function. In summary, the available evidence is currently insufficient to determine the role of this variant in disease. Therefore, it has been classified as a Variant of Uncertain Significance.